The following is an entry in ClinVar:

NM_005188.4(CBL):c.630T>A (p.His210Gln)

Gene: CBL (Cbl proto-oncogene; plus strand). Cytogenetic location: 11q23.3.
Variant type: single nucleotide variant.
Coding change: c.630T>A on transcript NM_005188.4 (MANE Select); coding-DNA position 630, T replaced by A.
Protein change: p.His210Gln; replaces histidine 210 with glutamine.
Molecular consequence: missense variant.
Genome position (GRCh38, 1-based): chr11:119,273,907, T>A. VCF-style: chr11-119273907-T-A. GRCh37 (hg19) VCF-style: chr11-119144617-T-A.
Other names: short protein forms H210Q.
Identifiers: ClinVar variation 3996071 (VCV003996071.1).

ClinVar aggregate classification (germline): Uncertain significance (1 of 4 stars; one submission).

Conditions:
Cardiovascular phenotype. Identifiers: MedGen CN230736.

gnomAD v4.1: 1 of 1,614,126 alleles (0.000062%); highest among the groups gnomAD compares: Admixed American, 0.0017%; no homozygotes.

Submission:

Ambry Genetics
Classification: Uncertain significance for Cardiovascular phenotype. Last evaluated: 2025-05-27. Review status: criteria provided, single submitter. Criteria: Ambry Variant Classification Scheme 2023. Collection method: clinical testing. Allele origin: germline.
Comment: The p.H210Q variant (also known as c.630T>A), located in coding exon 4 of the CBL gene, results from a T to A substitution at nucleotide position 630. The histidine at codon 210 is replaced by glutamine, an amino acid with highly similar properties. This amino acid position is conserved. In addition, the in silico prediction for this alteration is inconclusive. Based on the available evidence, the clinical significance of this variant remains unclear.